The following is an entry in ClinVar:

ClinVar aggregate classification (germline): Uncertain significance. Review status: criteria provided, multiple submitters, no conflicts (2 of 4 stars). 2 submissions from 2 submitters: Uncertain significance (2). Last evaluated 2025-02-12.

Conditions:
Inborn genetic diseases. Identifiers: MedGen C0950123, MeSH D030342.

Allele frequency attached by ClinVar (database versions not stated): gnomAD 0.00001; TOPMed 0.00001.

Submissions (2):

Ambry Genetics
Classification: Uncertain significance for Inborn genetic diseases. Last evaluated: 2025-02-12. Review status: criteria provided, single submitter. Criteria: Ambry Variant Classification Scheme 2023. Collection method: clinical testing. Allele origin: germline.

Labcorp Genetics (formerly Invitae), Labcorp
Classification: Uncertain significance. Last evaluated: 2024-10-07. Review status: criteria provided, single submitter. Criteria: Invitae Variant Classification Sherloc (09022015). Collection method: clinical testing. Allele origin: germline.
Comment: This sequence change replaces alanine, which is neutral and non-polar, with glycine, which is neutral and non-polar, at codon 70 of the ADAMTS17 protein (p.Ala70Gly). This variant is not present in population databases (gnomAD no frequency). This variant has not been reported in the literature in individuals affected with ADAMTS17-related conditions. ClinVar contains an entry for this variant (Variation ID: 1422762). An algorithm developed to predict the effect of missense changes on protein structure and function outputs the following: PolyPhen-2: "Benign". The glycine amino acid residue is found in multiple mammalian species, which suggests that this missense change does not adversely affect protein function. In summary, the available evidence is currently insufficient to determine the role of this variant in disease. Therefore, it has been classified as a Variant of Uncertain Significance.

NM_139057.4(ADAMTS17):c.209C>G (p.Ala70Gly)

Gene: ADAMTS17 (ADAM metallopeptidase with thrombospondin type 1 motif 17; minus strand). Cytogenetic location: 15q26.3.
Variant type: single nucleotide variant.
Coding change: c.209C>G on transcript NM_139057.4 (MANE Select); coding-DNA position 209, C replaced by G.
Protein change: p.Ala70Gly; replaces alanine 70 with glycine.
Molecular consequence: missense variant.
Genome position (GRCh38, 1-based): chr15:100,341,280, G>C on the plus strand (C>G on the coding strand, the complement: ADAMTS17 is on the minus strand). VCF-style: chr15-100341280-G-C. GRCh37 (hg19) VCF-style: chr15-100881485-G-C.
Other names: c.209C>G (NM_139057.2); short protein forms A70G.
Identifiers: ClinVar variation 1422762 (VCV001422762.7), dbSNP rs998155163, ClinGen allele CA275938184.